The following is an entry in ClinVar:

NM_001292063.2(OTOG):c.3187C>T (p.Arg1063Ter)

Gene: OTOG (otogelin; plus strand). Cytogenetic location: 11p15.1.
Variant type: single nucleotide variant.
Coding change: c.3187C>T on transcript NM_001292063.2 (MANE Select); coding-DNA position 3187, C replaced by T.
Protein change: p.Arg1063Ter; replaces arginine 1063 with a stop codon.
Molecular consequence: nonsense.
Genome position (GRCh38, 1-based): chr11:17,593,655, C>T. VCF-style: chr11-17593655-C-T. GRCh37 (hg19) VCF-style: chr11-17615202-C-T.
Other names: c.3223C>T, p.Arg1075Ter (NM_001277269.2); c.3223C>T (NM_001277269.1); short protein forms R1063*, R1075*.
Identifiers: ClinVar variation 1977869 (VCV001977869.8), dbSNP rs1234811014, ClinGen allele CA379782862.
Genomic context (GRCh38, chr11:17,593,655, plus strand): 5'-TCTCTGTCCCTCTAGAGTCCAGAGAGCTTCCTGGATGACAAGCAGGAGGTCCACACATGG[C>T]GAGTGGGATTTTTCACACTGGTGCATTTCCCACAGGAGCACATCACCCTCTTGTGGGACC-3'

ClinVar aggregate classification (germline): Pathogenic/Likely pathogenic. Review status: criteria provided, multiple submitters, no conflicts (2 of 4 stars). 4 submissions from 4 submitters: Pathogenic (2); Likely pathogenic (2). Last evaluated 2026-03-09.

Conditions:
OTOG-related disorder. Also called: OTOG-related condition.
Autosomal recessive nonsyndromic hearing loss 18B. Also called: Deafness, autosomal recessive 18b. Identifiers: Orphanet 90636, MedGen C3554163, MONDO:0013985, OMIM 614945.
Rare genetic deafness. Identifiers: Orphanet 96210, MedGen C5680250.

Allele frequency attached by ClinVar (database versions not stated): gnomAD exomes 0.00005; gnomAD 0.00006; TOPMed 0.00006.
gnomAD v4.1: 75 of 1,548,992 alleles (0.0048%); highest among the groups gnomAD compares: African/African-American, 0.0069%; no homozygotes.

Submissions (4):

PreventionGenetics, part of Exact Sciences
Classification: Likely pathogenic for OTOG-related condition. Last evaluated: 2026-03-09. Review status: criteria provided, single submitter. Criteria: ACMG Guidelines, 2015. Collection method: clinical testing. Allele origin: germline.
Comment: The OTOG c.3223C>T variant is predicted to result in premature protein termination (p.Arg1075*). To our knowledge, this variant has not been reported in the literature. This variant is reported in 0.0086% of alleles in individuals of European (Non-Finnish) descent in gnomAD. Nonsense variants in OTOG are expected to be pathogenic. This variant is interpreted as likely pathogenic.

Labcorp Genetics (formerly Invitae), Labcorp
Classification: Pathogenic. Last evaluated: 2025-10-26. Review status: criteria provided, single submitter. Criteria: Invitae Variant Classification Sherloc (09022015). Collection method: clinical testing. Allele origin: germline.
Comment: This sequence change creates a premature translational stop signal (p.Arg1075*) in the OTOG gene. It is expected to result in an absent or disrupted protein product. Loss-of-function variants in OTOG are known to be pathogenic (PMID: 23122587). This variant is present in population databases (no rsID available, gnomAD 0.009%). This variant has not been reported in the literature in individuals affected with OTOG-related conditions. ClinVar contains an entry for this variant (Variation ID: 1977869). Algorithms developed to predict the effect of sequence changes on RNA splicing suggest that this variant may disrupt the consensus splice site. For these reasons, this variant has been classified as Pathogenic.

Palindrome, Gene Kavoshgaran Aria
Classification: Pathogenic for Autosomal recessive nonsyndromic hearing loss 18B. Last evaluated: 2024-06-05. Review status: criteria provided, single submitter. Criteria: ACMG Guidelines, 2015. Collection method: clinical testing. Allele origin: germline. Inheritance: Autosomal recessive inheritance. Affected: yes. Observed: 1 homozygote.

Laboratory for Molecular Medicine, Mass General Brigham Personalized Medicine
Classification: Likely pathogenic for Rare genetic deafness. Last evaluated: 2022-06-30. Review status: criteria provided, single submitter. Criteria: ACMG Guidelines, 2015. Collection method: clinical testing. Allele origin: germline.
Comment: The p.Arg1075X variant in OTOG has not been previously reported in individuals with nonsyndromic hearing loss but was reported in 0.01% (5/42026) African chromosomes by gnomAD. This nonsense variant leads to a premature termination codon at position 1075, which is predicted to lead to a truncated or absent protein. Loss of function of the OTOG gene is an established disease mechanism in autosomal recessive nonsyndromic hearing loss. In summary, although additional studies are required to fully establish its clinical significance, this variant meets criteria to be classified as likely pathogenic for autosomal recessive nonsyndromic hearing loss. ACMG/AMP Criteria applied: PVS1, PM2_Supporting.

Literature cited by the submitters: PubMed 23122587 (cited by Labcorp Genetics (formerly Invitae), Labcorp).